The following is an entry in ClinVar:

ClinVar aggregate classification (germline): Conflicting classifications of pathogenicity. Review status: criteria provided, conflicting classifications (1 of 4 stars). 3 submissions from 3 submitters: Uncertain significance (2); Likely benign (1). Last evaluated 2024-09-24.

Conditions:
Inborn genetic diseases. Identifiers: MedGen C0950123, MeSH D030342.
Familial juvenile hyperuricemic nephropathy type 1 (ADTKD1). Also called: Autosomal Dominant Tubulointerstitial Kidney Disease – UMOD; UMOD-Associated Kidney Disease; Uromodulin-associated kidney disease; Glomerulocystic kidney disease with hyperuricemia and isosthenuria; Medullary cystic kidney disease 2. Identifiers: Orphanet 209886, Orphanet 34149, Orphanet 88950, MedGen C4551496, MONDO:0008073, OMIM 162000.

Allele frequency attached by ClinVar (database versions not stated): gnomAD 0.00001; TOPMed 0.00001.
gnomAD v4.1: 4 of 1,557,966 alleles (0.00026%); highest among the groups gnomAD compares: Admixed American, 0.0056%; no homozygotes.

Submissions (3):

Ambry Genetics
Classification: Likely benign for Inborn genetic diseases. Last evaluated: 2024-09-24. Review status: criteria provided, single submitter. Criteria: Ambry Variant Classification Scheme 2023. Collection method: clinical testing. Allele origin: germline.

Fulgent Genetics
Classification: Uncertain significance for Familial juvenile hyperuricemic nephropathy type 1. Last evaluated: 2024-05-22. Review status: criteria provided, single submitter. Criteria: ACMG Guidelines, 2015. Collection method: clinical testing. Allele origin: germline.

Labcorp Genetics (formerly Invitae), Labcorp
Classification: Uncertain significance. Last evaluated: 2023-08-07. Review status: criteria provided, single submitter. Criteria: Invitae Variant Classification Sherloc (09022015). Collection method: clinical testing. Allele origin: germline.
Comment: This sequence change replaces methionine, which is neutral and non-polar, with leucine, which is neutral and non-polar, at codon 213 of the UMOD protein (p.Met213Leu). This variant is present in population databases (rs746289589, gnomAD 0.008%). This variant has not been reported in the literature in individuals affected with UMOD-related conditions. Advanced modeling of protein sequence and biophysical properties (such as structural, functional, and spatial information, amino acid conservation, physicochemical variation, residue mobility, and thermodynamic stability) performed at Invitae indicates that this missense variant is not expected to disrupt UMOD protein function. In summary, the available evidence is currently insufficient to determine the role of this variant in disease. Therefore, it has been classified as a Variant of Uncertain Significance.

NM_003361.4(UMOD):c.637A>C (p.Met213Leu)

Gene: UMOD (uromodulin; minus strand). Cytogenetic location: 16p12.3.
Variant type: single nucleotide variant.
Coding change: c.637A>C on transcript NM_003361.4 (MANE Select); coding-DNA position 637, A replaced by C.
Protein change: p.Met213Leu; replaces methionine 213 with leucine.
Molecular consequence: missense variant. On other transcripts: non-coding transcript variant (1).
Genome position (GRCh38, 1-based): chr16:20,348,664, T>G on the plus strand (A>C on the coding strand, the complement: UMOD is on the minus strand). VCF-style: chr16-20348664-T-G. GRCh37 (hg19) VCF-style: chr16-20359986-T-G.
Other names: c.637A>C (NM_003361.2); c.637A>C, p.Met213Leu (NM_001008389.3, NM_001378232.1, NM_001378233.1 and 3 more transcripts); c.736A>C, p.Met246Leu (NM_001278614.2); short protein forms M213L, M246L.
Identifiers: ClinVar variation 2999945 (VCV002999945.5), dbSNP rs746289589, ClinGen allele CA7939425.
Genomic context (GRCh38, chr16:20,348,664, plus strand): 5'-CATTGAGCCACATGGGGGCGGCCGTGTTGCAGCGCAGGACTGGCACGCAGGTCTCGGCCA[T>G]GCGCGCACCGCCCTGGCCCACGAAGCGGTACCAGCCGCGCAGGTCCGTGTCGCAGGCGTA-3'
Protein context (NP_003352.2, residues 203-223): YRFVGQGGAR[Met213Leu]AETCVPVLRC